The following is an entry in ClinVar:

ClinVar aggregate classification (germline): Uncertain significance. Review status: criteria provided, multiple submitters, no conflicts (2 of 4 stars). 2 submissions from 2 submitters: Uncertain significance (2). Last evaluated 2024-10-26.

Conditions:
Acrocallosal syndrome (ACLS). Also called: HALLUX DUPLICATION, POSTAXIAL POLYDACTYLY, AND ABSENCE OF CORPUS CALLOSUM; Schinzel syndrome 1; Absence of corpus callosum with unusual facial appearance, mental deficiency, duplication of the halluces and polydactyly. Identifiers: Orphanet 36, MedGen C0796147, MONDO:0008708, OMIM 200990.

Allele frequency attached by ClinVar (database versions not stated): ExAC 0.00001; gnomAD exomes 0.00001; gnomAD 0.00007; ESP Exome Variant Server 0.00008.
gnomAD v4.1: 14 of 1,606,100 alleles (0.00087%); highest among the groups gnomAD compares: African/African-American, 0.017%; no homozygotes.

Submissions (2):

Labcorp Genetics (formerly Invitae), Labcorp
Classification: Uncertain significance for Acrocallosal syndrome. Last evaluated: 2024-10-26. Review status: criteria provided, single submitter. Criteria: Invitae Variant Classification Sherloc (09022015). Collection method: clinical testing. Allele origin: germline.
Comment: This sequence change replaces glutamine, which is neutral and polar, with arginine, which is basic and polar, at codon 528 of the KIF7 protein (p.Gln528Arg). This variant is present in population databases (rs142282670, gnomAD 0.03%). This variant has not been reported in the literature in individuals affected with KIF7-related conditions. ClinVar contains an entry for this variant (Variation ID: 1441528). Invitae Evidence Modeling of protein sequence and biophysical properties (such as structural, functional, and spatial information, amino acid conservation, physicochemical variation, residue mobility, and thermodynamic stability) indicates that this missense variant is not expected to disrupt KIF7 protein function with a negative predictive value of 80%. In summary, the available evidence is currently insufficient to determine the role of this variant in disease. Therefore, it has been classified as a Variant of Uncertain Significance.

Women's Health and Genetics/Laboratory Corporation of America, LabCorp
Classification: Uncertain significance. Last evaluated: 2024-06-20. Review status: criteria provided, single submitter. Criteria: LabCorp Variant Classification Summary - May 2015. Collection method: clinical testing. Allele origin: germline.
Comment: Variant summary: KIF7 c.1583A>G (p.Gln528Arg) results in a conservative amino acid change in the encoded protein sequence. Three of five in-silico tools predict a benign effect of the variant on protein function. The variant allele was found at a frequency of 1.3e-05 in 229442 control chromosomes. The available data on variant occurrences in the general population are insufficient to allow any conclusion about variant significance. To our knowledge, no occurrence of c.1583A>G in individuals affected with Acrocallosal Syndrome/Joubert Syndrome 12 and no experimental evidence demonstrating its impact on protein function have been reported. ClinVar contains an entry for this variant (Variation ID: 1441528). Based on the evidence outlined above, the variant was classified as uncertain significance.

NM_198525.3(KIF7):c.1583A>G (p.Gln528Arg)

Gene: KIF7 (kinesin family member 7; minus strand). Cytogenetic location: 15q26.1.
Variant type: single nucleotide variant.
Coding change: c.1583A>G on transcript NM_198525.3 (MANE Select); coding-DNA position 1583, A replaced by G.
Protein change: p.Gln528Arg; replaces glutamine 528 with arginine.
Molecular consequence: missense variant.
Genome position (GRCh38, 1-based): chr15:89,647,035, T>C on the plus strand (A>G on the coding strand, the complement: KIF7 is on the minus strand). VCF-style: chr15-89647035-T-C. GRCh37 (hg19) VCF-style: chr15-90190266-T-C.
Other names: short protein forms Q528R.
Identifiers: ClinVar variation 1441528 (VCV001441528.8), dbSNP rs142282670, ClinGen allele CA7728513.